The following is an entry in ClinVar:

ClinVar aggregate classification (germline): Uncertain significance (1 of 4 stars; one submission).

Conditions:
Combined oxidative phosphorylation deficiency 40. Identifiers: Orphanet 570491, MedGen C5394232, MONDO:0030006, OMIM 618835.

Allele frequency attached by ClinVar (database versions not stated): TOPMed below 0.00001; ExAC 0.00002.

Submission:

3billion
Classification: Uncertain significance for Combined oxidative phosphorylation deficiency 40. Last evaluated: 2023-02-23. Review status: criteria provided, single submitter. Criteria: ACMG Guidelines, 2015. Collection method: clinical testing. Allele origin: unknown. Affected: yes.
Comment: The variant is observed at an extremely low frequency in the gnomAD v2.1.1 dataset (total allele frequency: <0.001%). In silico tool predictions suggest damaging effect of the variant on gene or gene product (REVEL: 0.61; 3Cnet: 0.10). Therefore, this variant is classified as VUS according to the recommendation of ACMG/AMP guideline.

NM_018292.5(QRSL1):c.677C>T (p.Ser226Leu)

Gene: QRSL1 (glutaminyl-tRNA amidotransferase subunit QRSL1; plus strand). Cytogenetic location: 6q21.
Variant type: single nucleotide variant.
Coding change: c.677C>T on transcript NM_018292.5 (MANE Select); coding-DNA position 677, C replaced by T.
Protein change: p.Ser226Leu; replaces serine 226 with leucine.
Molecular consequence: missense variant.
Genome position (GRCh38, 1-based): chr6:106,652,328, C>T. VCF-style: chr6-106652328-C-T. GRCh37 (hg19) VCF-style: chr6-107100203-C-T.
Other names: short protein forms S226L.
Identifiers: ClinVar variation 2444389 (VCV002444389.1), dbSNP rs761098365, ClinGen allele CA3944825.
Genomic context (GRCh38, chr6:106,652,328, plus strand): 5'-TTGGTTTCAAACCAAGCTATGGCTTAGTTTCCCGTCATGGTCTCATTCCCCTGGTGAATT[C>T]GATGGATGTGCCAGGAATCTTAACCAGATGTGTGGATGATGCAGCAATTGTGTTGGGTAT-3'
Protein context (NP_060762.3, residues 216-236): SRHGLIPLVN[Ser226Leu]MDVPGILTRC